The following is an entry in ClinVar:

ClinVar aggregate classification (germline): Likely benign. Review status: criteria provided, multiple submitters, no conflicts (2 of 4 stars). 3 submissions from 3 submitters: Likely benign (3). Last evaluated 2025-12-19.

Conditions:
Hereditary cancer-predisposing syndrome. Also called: Hereditary neoplastic syndrome; Tumor predisposition; Neoplastic Syndromes, Hereditary; Hereditary Cancer Syndrome. Identifiers: Orphanet 140162, MedGen C0027672, MeSH D009386, MONDO:0015356.
Juvenile polyposis syndrome (JPS). Identifiers: Orphanet 2929, MedGen C0345893, MONDO:0017380, OMIM 174900.
Juvenile polyposis/hereditary hemorrhagic telangiectasia syndrome (JPHT). Also called: Juvenile Polyposis Syndrome / Hereditary Hemorrhagic Telangiectasia (JPS/HHT); JP/HHT SYNDROME; JUVENILE POLYPOSIS WITH HEREDITARY HEMORRHAGIC TELANGIECTASIA; POLYPOSIS, GENERALIZED JUVENILE, WITH PULMONARY ARTERIOVENOUS MALFORMATION; TELANGIECTASIA, HEREDITARY HEMORRHAGIC, WITH JUVENILE POLYPOSIS COLI. Identifiers: Orphanet 2929, MedGen C1832942, MONDO:0008278, OMIM 175050.

Submissions (3):

Labcorp Genetics (formerly Invitae), Labcorp
Classification: Likely benign for Juvenile polyposis syndrome. Last evaluated: 2025-12-19. Review status: criteria provided, single submitter. Criteria: Invitae Variant Classification Sherloc (09022015). Collection method: clinical testing. Allele origin: germline.

Myriad Genetics, Inc.
Classification: Likely benign for Juvenile polyposis/hereditary hemorrhagic telangiectasia syndrome. Last evaluated: 2025-03-21. Review status: criteria provided, single submitter. Criteria: Myriad Autosomal Dominant, Autosomal Recessive and X-Linked Classification Criteria (2023). Collection method: clinical testing. Allele origin: unknown.
Comment: This variant is considered likely benign. This variant is intronic and is not expected to impact mRNA splicing.

Color Diagnostics, LLC DBA Color Health
Classification: Likely benign for Hereditary cancer-predisposing syndrome. Last evaluated: 2017-09-29. Review status: criteria provided, single submitter. Criteria: ACMG Guidelines, 2015. Collection method: clinical testing. Allele origin: germline.

NM_005359.6(SMAD4):c.1309-16T>C

Gene: SMAD4 (SMAD family member 4; plus strand). Cytogenetic location: 18q21.2.
Variant type: single nucleotide variant.
Coding change: c.1309-16T>C on transcript NM_005359.6 (MANE Select); 16 bases into the intron before coding-DNA position 1309, T replaced by C.
Molecular consequence: intron variant.
Genome position (GRCh38, 1-based): chr18:51,076,622, T>C. VCF-style: chr18-51076622-T-C. GRCh37 (hg19) VCF-style: chr18-48602992-T-C.
Identifiers: ClinVar variation 492468 (VCV000492468.5), dbSNP rs1555687375, ClinGen allele CA658684185.